The following is an entry in ClinVar:

NM_004519.4(KCNQ3):c.1840G>A (p.Glu614Lys)

Gene: KCNQ3 (potassium voltage-gated channel subfamily Q member 3; minus strand). Cytogenetic location: 8q24.22.
Variant type: single nucleotide variant.
Coding change: c.1840G>A on transcript NM_004519.4 (MANE Select); coding-DNA position 1840, G replaced by A.
Protein change: p.Glu614Lys; replaces glutamic acid 614 with lysine.
Molecular consequence: missense variant.
Genome position (GRCh38, 1-based): chr8:132,132,224, C>T on the plus strand (G>A on the coding strand, the complement: KCNQ3 is on the minus strand). VCF-style: chr8-132132224-C-T. GRCh37 (hg19) VCF-style: chr8-133144471-C-T.
Other names: c.1480G>A, p.Glu494Lys (NM_001204824.2); short protein forms E494K, E614K.
Identifiers: ClinVar variation 3678381 (VCV003678381.2).

ClinVar aggregate classification (germline): Uncertain significance (1 of 4 stars; one submission).

Conditions:
Benign neonatal seizures. Also called: Convulsions benign familial neonatal dominant form; Autosomal dominant form of benign neonatal seizures; Benign familial neonatal seizures; Benign neonatal familial convulsions; Benign familial neonatal epilepsy. Identifiers: Orphanet 1949, MedGen C0220669, MONDO:0016027.

gnomAD v4.1: 7 of 1,613,738 alleles (0.00043%); highest among the groups gnomAD compares: South Asian, 0.0011%; no homozygotes.

Submission:

Labcorp Genetics (formerly Invitae), Labcorp
Classification: Uncertain significance for Benign neonatal seizures. Last evaluated: 2025-03-04. Review status: criteria provided, single submitter. Criteria: Invitae Variant Classification Sherloc (09022015). Collection method: clinical testing. Allele origin: germline.
Comment: This sequence change replaces glutamic acid, which is acidic and polar, with lysine, which is basic and polar, at codon 614 of the KCNQ3 protein (p.Glu614Lys). This variant is present in population databases (rs756796196, gnomAD 0.003%). This variant has not been reported in the literature in individuals affected with KCNQ3-related conditions. Invitae Evidence Modeling of protein sequence and biophysical properties (such as structural, functional, and spatial information, amino acid conservation, physicochemical variation, residue mobility, and thermodynamic stability) indicates that this missense variant is not expected to disrupt KCNQ3 protein function with a negative predictive value of 80%. In summary, the available evidence is currently insufficient to determine the role of this variant in disease. Therefore, it has been classified as a Variant of Uncertain Significance.